The following is an entry in ClinVar:

NM_000138.5(FBN1):c.315_318dup (p.Ile107fs)

Gene: FBN1 (fibrillin 1; minus strand). Cytogenetic location: 15q21.1.
Variant type: Duplication.
Coding change: c.315_318dup on transcript NM_000138.5 (MANE Select); coding-DNA positions 315 to 318, 4 bases duplicated (TCAG; older notation c.315_318dupTCAG).
Protein change: p.Ile107fs; shifts the reading frame from isoleucine 107.
Molecular consequence: frameshift variant.
Genome position (GRCh38, 1-based): chr15:48,610,756-48,610,759, CTGA duplicated on the plus strand (TCAG on the coding strand, the reverse complement: FBN1 is on the minus strand); duplicating any 4 consecutive bases within chr15:48,610,756-48,610,760 gives the same sequence; the c. name uses the placement nearest the transcript's 3' end. VCF-style (leftmost placement, unchanged base first): chr15-48610755-T-TCTGA. GRCh37 (hg19) VCF-style: chr15-48902952-T-TCTGA.
Other names: short protein forms I107fs.
Identifiers: ClinVar variation 828001 (VCV000828001.3), dbSNP rs1597631624, ClinGen allele CA915946001.

ClinVar aggregate classification (germline): Pathogenic (1 of 4 stars; one submission).

Conditions:
Geleophysic dysplasia 2 (GPHYSD2). Identifiers: Orphanet 2623, MedGen C3280054, MONDO:0013612, OMIM 614185.
Ectopia lentis 1, isolated, autosomal dominant (ECTOL1). Identifiers: Orphanet 1885, MedGen C3541518, MONDO:0007514, OMIM 129600.
MASS syndrome (OCTD). Also called: OVERLAP CONNECTIVE TISSUE DISEASE; MASS PHENOTYPE. Identifiers: MedGen C1858556, MONDO:0011431, OMIM 604308.
Weill-Marchesani syndrome 2, dominant. Also called: FBN1-Related Weill-Marchesani Syndrome; Weill-Marchesani Syndrome, Autosomal Dominant. Identifiers: Orphanet 2084, MedGen C1869115, MONDO:0012013, OMIM 608328.
Acromicric dysplasia (ACMICD). Also called: Acromicric skeletal dysplasia. Identifiers: Orphanet 969, MedGen C0265287, MONDO:0007055, OMIM 102370.
Marfan syndrome (MFS). Also called: FBN1-Related Marfan Syndrome; Marfan's syndrome; MARFAN SYNDROME, TYPE I; Marfan syndrome type 1; Marfan syndrome, classic. Identifiers: Orphanet 284963, Orphanet 558, MedGen C0024796, MONDO:0007947, OMIM 154700.
Stiff skin syndrome (SSKS). Identifiers: Orphanet 2833, MedGen C1861456, MONDO:0008492, OMIM 184900.
Progeroid and marfanoid aspect-lipodystrophy syndrome. Also called: MARFANOID-PROGEROID-LIPODYSTROPHY SYNDROME; Marfan lipodystrophy syndrome; MARFANOID-PROGEROID SYNDROME; MARFAN-PROGEROID-LIPODYSTROPHY SYNDROME. Identifiers: Orphanet 300382, MedGen C4310796, MONDO:0014831, OMIM 616914.

Submission:

Center for Genomics, Ann and Robert H. Lurie Children's Hospital of Chicago
Classification: Pathogenic for Geleophysic dysplasia 2; Weill-Marchesani syndrome 2, dominant; Ectopia lentis 1, isolated, autosomal dominant; MASS syndrome; Progeroid and marfanoid aspect-lipodystrophy syndrome; Acromicric dysplasia; Marfan syndrome; Stiff skin syndrome. Review status: criteria provided, single submitter. Criteria: ACMG Guidelines, 2015. Collection method: clinical testing. Allele origin: germline.
Comment: FBN1 NM_000138.4 exon 3 p.Ile107Serfs*23 (c.315_318dup): This variant has not been reported in the literature and is not present in large control databases. Evolutionary conservation and computational predictive tools for this variant are limited or unavailable. This variant represents a duplication of 4 nucleotides and creates a premature stop codon 23 amino acids downstream from this location, which results in an absent or abnormal protein. Loss of function variants are a known mechanism of disease for this gene (Dietz 2017 PMID: 20301510). Therefore, this variant is classified as pathogenic.